The following is an entry in ClinVar:

ClinVar aggregate classification (germline): Uncertain significance (1 of 4 stars; one submission).

Conditions:
DICER1-related tumor predisposition. Also called: DICER1 syndrome; DICER1-related pleuropulmonary blastoma cancer predisposition syndrome. Identifiers: Orphanet 284343, MedGen C3839822, MONDO:0100216.

Submission:

Labcorp Genetics (formerly Invitae), Labcorp
Classification: Uncertain significance for DICER1-related tumor predisposition. Last evaluated: 2021-06-07. Review status: criteria provided, single submitter. Criteria: Invitae Variant Classification Sherloc (09022015). Collection method: clinical testing. Allele origin: germline.
Comment: This sequence change replaces alanine with glycine at codon 472 of the DICER1 protein (p.Ala472Gly). The alanine residue is highly conserved and there is a small physicochemical difference between alanine and glycine. This variant is not present in population databases (ExAC no frequency). This variant has not been reported in the literature in individuals with DICER1-related conditions. Algorithms developed to predict the effect of missense changes on protein structure and function are either unavailable or do not agree on the potential impact of this missense change (SIFT: "Tolerated"; PolyPhen-2: "Probably Damaging"; Align-GVGD: "Class C0"). In summary, the available evidence is currently insufficient to determine the role of this variant in disease. Therefore, it has been classified as a Variant of Uncertain Significance.

NM_177438.3(DICER1):c.1415C>G (p.Ala472Gly)

Gene: DICER1 (dicer 1, ribonuclease III; minus strand). Cytogenetic location: 14q32.13.
Variant type: single nucleotide variant.
Coding change: c.1415C>G on transcript NM_177438.3 (MANE Select); coding-DNA position 1415, C replaced by G.
Protein change: p.Ala472Gly; replaces alanine 472 with glycine.
Molecular consequence: missense variant.
Genome position (GRCh38, 1-based): chr14:95,117,716, G>C on the plus strand (C>G on the coding strand, the complement: DICER1 is on the minus strand). VCF-style: chr14-95117716-G-C. GRCh37 (hg19) VCF-style: chr14-95584053-G-C.
Other names: c.1415C>G, p.Ala472Gly (NM_001271282.3, NM_001291628.2, NM_030621.4 and 1 more transcripts); short protein forms A472G.
Identifiers: ClinVar variation 1497203 (VCV001497203.9), dbSNP rs2140138407, ClinGen allele CA390885621.